The following is an entry in ClinVar:

NM_032444.4(SLX4):c.5216_5217dup (p.Val1740fs)

Gene: SLX4 (SLX4 structure-specific endonuclease subunit; minus strand). Cytogenetic location: 16p13.3.
Variant type: Duplication.
Coding change: c.5216_5217dup on transcript NM_032444.4 (MANE Select); coding-DNA positions 5216 to 5217, 2 bases duplicated (AG; older notation c.5216_5217dupAG).
Protein change: p.Val1740fs; shifts the reading frame from valine 1740.
Molecular consequence: frameshift variant.
Genome position (GRCh38, 1-based): chr16:3,582,630-3,582,631, CT duplicated on the plus strand (AG on the coding strand, the reverse complement: SLX4 is on the minus strand); duplicating any 2 consecutive bases within chr16:3,582,630-3,582,632 gives the same sequence; the c. name uses the placement nearest the transcript's 3' end. VCF-style (leftmost placement, unchanged base first): chr16-3582629-C-CCT. GRCh37 (hg19) VCF-style: chr16-3632630-C-CCT.
Other names: short protein forms V1740fs.
Identifiers: ClinVar variation 1507246 (VCV001507246.6), dbSNP rs2151115927, ClinGen allele CA2573152036.

ClinVar aggregate classification (germline): Likely pathogenic (1 of 4 stars; one submission).

Conditions:
Fanconi anemia (FA). Also called: Fanconi's anemia. Identifiers: Orphanet 84, MedGen C0015625, MeSH D005199, MONDO:0019391.

Submission:

Labcorp Genetics (formerly Invitae), Labcorp
Classification: Likely pathogenic for Fanconi anemia. Last evaluated: 2021-11-08. Review status: criteria provided, single submitter. Criteria: Invitae Variant Classification Sherloc (09022015). Collection method: clinical testing. Allele origin: germline.
Comment: In summary, the currently available evidence indicates that the variant is pathogenic, but additional data are needed to prove that conclusively. Therefore, this variant has been classified as Likely Pathogenic. This variant disrupts the SLX1 interaction domain, which has been shown to be critical for SLX1-SLX4 complexing, and therefore will affect their Holliday junction resolvase and 5'-flap endonuclease activities (PMID: 19596235, 19596236). While functional studies have not been performed to directly test the effect of this variant on SLX4 protein function, this suggests that disruption of this region of the protein is causative of disease. Algorithms developed to predict the effect of sequence changes on RNA splicing suggest that this variant may create or strengthen a splice site. This variant has not been reported in the literature in individuals affected with SLX4-related conditions. This variant is not present in population databases (gnomAD no frequency). This sequence change creates a premature translational stop signal (p.Val1740Argfs*18) in the SLX4 gene. While this is not anticipated to result in nonsense mediated decay, it is expected to disrupt the last 95 amino acid(s) of the SLX4 protein.

Literature cited by the submitters: PubMed 19596235; PubMed 19596236.